The following is an entry in ClinVar:

NM_000426.4(LAMA2):c.8591A>G (p.Asp2864Gly)

Gene: LAMA2 (laminin subunit alpha 2; plus strand). Cytogenetic location: 6q22.33.
Variant type: single nucleotide variant.
Coding change: c.8591A>G on transcript NM_000426.4 (MANE Select); coding-DNA position 8591, A replaced by G.
Protein change: p.Asp2864Gly; replaces aspartic acid 2864 with glycine.
Molecular consequence: missense variant.
Genome position (GRCh38, 1-based): chr6:129,505,243, A>G. VCF-style: chr6-129505243-A-G. GRCh37 (hg19) VCF-style: chr6-129826388-A-G.
Other names: c.8579A>G, p.Asp2860Gly (NM_001079823.2); short protein forms D2860G, D2864G.
Identifiers: ClinVar variation 1490236 (VCV001490236.3), dbSNP rs778258870, ClinGen allele CA3994873.
Genomic context (GRCh38, chr6:129,505,243, plus strand): 5'-TCCTTTCTTTTTTGTAGATTAAGATAATGAGAAGTAAGCAAGAAGGAATTCTTTATGTAG[A>G]TGGGGCTTCCAACAGAACCATCAGTCCCAAAAAAGCCGACATCCTGGATGTCGTGGGAAT-3'
Protein context (NP_000417.3, residues 2854-2874): RSKQEGILYV[Asp2864Gly]GASNRTISPK

ClinVar aggregate classification (germline): Uncertain significance (1 of 4 stars; one submission).

Conditions:
LAMA2-related muscular dystrophy (LAMA2-RD). Also called: Laminin alpha 2-related dystrophy. Identifiers: MedGen C5679788, MONDO:0100228.

Allele frequency attached by ClinVar (database versions not stated): gnomAD exomes below 0.00001 and 0.00002; TOPMed below 0.00001; ExAC 0.00002.
gnomAD v4.1: 4 of 1,613,902 alleles (0.00025%); highest among the groups gnomAD compares: South Asian, 0.0011%; no homozygotes.

Submission:

Labcorp Genetics (formerly Invitae), Labcorp
Classification: Uncertain significance for LAMA2-related muscular dystrophy. Last evaluated: 2022-08-10. Review status: criteria provided, single submitter. Criteria: Invitae Variant Classification Sherloc (09022015). Collection method: clinical testing. Allele origin: germline.
Comment: This sequence change replaces aspartic acid, which is acidic and polar, with glycine, which is neutral and non-polar, at codon 2864 of the LAMA2 protein (p.Asp2864Gly). This variant is present in population databases (rs778258870, gnomAD 0.02%). This variant has not been reported in the literature in individuals affected with LAMA2-related conditions. ClinVar contains an entry for this variant (Variation ID: 1490236). Advanced modeling of protein sequence and biophysical properties (such as structural, functional, and spatial information, amino acid conservation, physicochemical variation, residue mobility, and thermodynamic stability) performed at Invitae indicates that this missense variant is expected to disrupt LAMA2 protein function. Algorithms developed to predict the effect of sequence changes on RNA splicing suggest that this variant may create or strengthen a splice site. In summary, the available evidence is currently insufficient to determine the role of this variant in disease. Therefore, it has been classified as a Variant of Uncertain Significance.